The following is an entry in ClinVar:

NM_006206.6(PDGFRA):c.896T>C (p.Val299Ala)

Gene: PDGFRA (platelet derived growth factor receptor alpha; plus strand). Cytogenetic location: 4q12.
Variant type: single nucleotide variant.
Coding change: c.896T>C on transcript NM_006206.6 (MANE Select); coding-DNA position 896, T replaced by C.
Protein change: p.Val299Ala; replaces valine 299 with alanine.
Molecular consequence: missense variant.
Genome position (GRCh38, 1-based): chr4:54,267,425, T>C. VCF-style: chr4-54267425-T-C. GRCh37 (hg19) VCF-style: chr4-55133592-T-C.
Other names: c.896T>C, p.Val299Ala (NM_001347827.2, NM_001347829.2); c.971T>C, p.Val324Ala (NM_001347828.2); c.935T>C, p.Val312Ala (NM_001347830.2); c.896T>C (NM_006206.5); short protein forms V299A, V312A, V324A.
Identifiers: ClinVar variation 41802 (VCV000041802.25), dbSNP rs200033396, ClinGen allele CA215871.
Genomic context (GRCh38, chr4:54,267,425, plus strand): 5'-AGGCCACGGTGAAAGACAGTGGAGATTACGAATGTGCTGCCCGCCAGGCTACCAGGGAGG[T>C]CAAAGAAATGAAGAAAGTCACTATTTCTGTCCATGGTACATTCCGCTTTCTAAAATGTCA-3'
Protein context (NP_006197.1, residues 289-309): ECAARQATRE[Val299Ala]KEMKKVTISV

ClinVar aggregate classification (germline): Conflicting classifications of pathogenicity. Review status: criteria provided, conflicting classifications (1 of 4 stars). 7 submissions from 6 submitters: Uncertain significance (1); Likely benign (4). 2 of the submissions do not count toward it. Last evaluated 2026-01-21.

Conditions:
PDGFRA-related disorder. Also called: PDGFRA-related condition.
Hereditary cancer-predisposing syndrome. Also called: Hereditary Cancer Syndrome; Tumor predisposition; Neoplastic Syndromes, Hereditary; Hereditary neoplastic syndrome. Identifiers: Orphanet 140162, MedGen C0027672, MeSH D009386, MONDO:0015356.
Gastrointestinal stromal tumor. Also called: Gastrointestinal stromal tumor, somatic; Gastrointestinal stroma tumor. Identifiers: Orphanet 44890, MedGen C0238198, MeSH D046152, MONDO:0011719, OMIM 606764, HP:0100723.
Idiopathic hypereosinophilic syndrome (HES). Identifiers: Orphanet 3260, MedGen C0206141, MONDO:0011895, OMIM 607685. Disease mechanism: gain of function.

Allele frequency attached by ClinVar (database versions not stated): ExAC 0.00003; gnomAD 0.00005 and 0.00006; TOPMed 0.00005; gnomAD exomes 0.00004 and 0.00009.
gnomAD v4.1: 78 of 1,613,832 alleles (0.0048%); highest among the groups gnomAD compares: African/African-American, 0.0013%; no homozygotes.

Submissions (7):

Labcorp Genetics (formerly Invitae), Labcorp
Classification: Likely benign for Gastrointestinal stromal tumor. Last evaluated: 2026-01-21. Review status: criteria provided, single submitter. Criteria: Invitae Variant Classification Sherloc (09022015). Collection method: clinical testing. Allele origin: germline.

Ambry Genetics
Classification: Likely benign for Hereditary cancer-predisposing syndrome. Last evaluated: 2024-12-12. Review status: criteria provided, single submitter. Criteria: Ambry Variant Classification Scheme 2023. Collection method: clinical testing. Allele origin: germline.

GeneDx
Classification: Uncertain significance. Last evaluated: 2024-08-28. Review status: criteria provided, single submitter. Criteria: GeneDx Variant Classification Process June 2021. Collection method: clinical testing. Allele origin: germline. Affected: yes.
Comment: In silico analysis indicates that this missense variant does not alter protein structure/function; Has not been previously published as pathogenic or benign to our knowledge; This variant is associated with the following publications: (PMID: 22703879)

Illumina Laboratory Services, Illumina
Classification: Likely benign for Idiopathic hypereosinophilic syndrome. Last evaluated: 2017-04-28. Review status: criteria provided, single submitter. Criteria: ICSL Variant Classification Criteria 13 December 2019. Collection method: clinical testing. Allele origin: germline.
Comment: This variant was observed as part of a predisposition screen in an ostensibly healthy population. A literature search was performed for the gene, cDNA change, and amino acid change (where applicable). No publications were found based on this search. Allele frequency data from public databases allowed determination this variant is unlikely to cause disease. Therefore, this variant is classified as likely benign.

Illumina Laboratory Services, Illumina
Classification: Likely benign for Gastrointestinal stromal tumor. Last evaluated: 2017-04-28. Review status: criteria provided, single submitter. Criteria: ICSL Variant Classification Criteria 13 December 2019. Collection method: clinical testing. Allele origin: germline.
Comment: the same text as in the submission from Illumina Laboratory Services, Illumina above.

PreventionGenetics, part of Exact Sciences
Classification: Likely benign for PDGFRA-related condition. Last evaluated: 2023-11-15. Review status: no assertion criteria provided. Collection method: clinical testing. Allele origin: germline. Not counted in ClinVar's aggregate classification.
Comment: This variant is classified as likely benign based on ACMG/AMP sequence variant interpretation guidelines (Richards et al. 2015 PMID: 25741868, with internal and published modifications).

Biesecker Lab/Clinical Genomics Section, National Institutes of Health
Classification: Uncertain significance. Last evaluated: 2012-07-13. Review status: no assertion criteria provided. Collection method: research. Allele origin: germline. Affected: no. Observed: 1 variant allele. Study: ClinSeq. Not counted in ClinVar's aggregate classification.
ClinVar note: Converted during submission from variant of unknown significance to Uncertain significance.